The following is an entry in ClinVar:

ClinVar aggregate classification (germline): Uncertain significance (1 of 4 stars; one submission).

Submission:

Mayo Clinic Laboratories, Mayo Clinic
Classification: Uncertain significance. Last evaluated: 2024-07-26. Review status: criteria provided, single submitter. Criteria: ACMG Guidelines, 2015. Collection method: clinical testing. Allele origin: germline. Observed: 1 variant allele.
Comment: PM2, PVS1_moderate

NM_007055.4(POLR3A):c.2479-1G>A

Gene: POLR3A (RNA polymerase III subunit A; minus strand). Cytogenetic location: 10q22.3.
Variant type: single nucleotide variant.
Coding change: c.2479-1G>A on transcript NM_007055.4 (MANE Select); the canonical splice acceptor site of the intron before coding-DNA position 2479, G replaced by A.
Molecular consequence: splice acceptor variant.
Genome position (GRCh38, 1-based): chr10:78,000,119, C>T on the plus strand (G>A on the coding strand, the complement: POLR3A is on the minus strand). VCF-style: chr10-78000119-C-T. GRCh37 (hg19) VCF-style: chr10-79759877-C-T.
Identifiers: ClinVar variation 3379977 (VCV003379977.1).